The following is an entry in ClinVar:

ClinVar aggregate classification (germline): Uncertain significance. Review status: criteria provided, multiple submitters, no conflicts (2 of 4 stars). 2 submissions from 2 submitters: Uncertain significance (2). Last evaluated 2024-07-03.

Conditions:
PRPH2-related disorder. Also called: PRPH2-related condition; PRPH2-related disorders. Identifiers: MedGen CN239395.

gnomAD v4.1: 3 of 1,614,174 alleles (0.00019%); highest among the groups gnomAD compares: Admixed American, 0.0033%; no homozygotes.

Submissions (2):

Blueprint Genetics
Classification: Uncertain significance. Last evaluated: 2024-07-03. Review status: criteria provided, single submitter. Criteria: ACMG Guidelines, 2015. Collection method: clinical testing. Allele origin: germline.

Labcorp Genetics (formerly Invitae), Labcorp
Classification: Uncertain significance for PRPH2-related disorder. Last evaluated: 2023-05-11. Review status: criteria provided, single submitter. Criteria: Invitae Variant Classification Sherloc (09022015). Collection method: clinical testing. Allele origin: germline.
Comment: In summary, the available evidence is currently insufficient to determine the role of this variant in disease. Therefore, it has been classified as a Variant of Uncertain Significance. Advanced modeling of protein sequence and biophysical properties (such as structural, functional, and spatial information, amino acid conservation, physicochemical variation, residue mobility, and thermodynamic stability) performed at Invitae indicates that this missense variant is not expected to disrupt PRPH2 protein function. ClinVar contains an entry for this variant (Variation ID: 955344). This variant has not been reported in the literature in individuals affected with PRPH2-related conditions. This variant is present in population databases (rs139936445, gnomAD 0.003%). This sequence change replaces aspartic acid, which is acidic and polar, with glutamic acid, which is acidic and polar, at codon 84 of the PRPH2 protein (p.Asp84Glu).

NM_000322.5(PRPH2):c.252C>A (p.Asp84Glu)

Gene: PRPH2 (peripherin 2; minus strand). Cytogenetic location: 6p21.1.
Variant type: single nucleotide variant.
Coding change: c.252C>A on transcript NM_000322.5 (MANE Select); coding-DNA position 252, C replaced by A.
Protein change: p.Asp84Glu; replaces aspartic acid 84 with glutamic acid.
Molecular consequence: missense variant.
Genome position (GRCh38, 1-based): chr6:42,722,083, G>T on the plus strand (C>A on the coding strand, the complement: PRPH2 is on the minus strand). VCF-style: chr6-42722083-G-T. GRCh37 (hg19) VCF-style: chr6-42689821-G-T.
Other names: short protein forms D84E.
Identifiers: ClinVar variation 955344 (VCV000955344.7), dbSNP rs139936445, ClinGen allele CA3808645.